The following is an entry in ClinVar:

NM_001161352.2(KCNMA1):c.92C>G (p.Ala31Gly)

Gene: KCNMA1 (potassium calcium-activated channel subfamily M alpha 1; minus strand). Cytogenetic location: 10q22.3.
Variant type: single nucleotide variant.
Coding change: c.92C>G on transcript NM_001161352.2 (MANE Select); coding-DNA position 92, C replaced by G.
Protein change: p.Ala31Gly; replaces alanine 31 with glycine.
Molecular consequence: missense variant.
Genome position (GRCh38, 1-based): chr10:77,637,551, G>C on the plus strand (C>G on the coding strand, the complement: KCNMA1 is on the minus strand). VCF-style: chr10-77637551-G-C. GRCh37 (hg19) VCF-style: chr10-79397309-G-C.
Other names: c.92C>G, p.Ala31Gly (NM_001271518.2, NM_001271519.2, NM_001271520.2 and 12 more transcripts); short protein forms A31G.
Identifiers: ClinVar variation 575926 (VCV000575926.9), dbSNP rs201551432, ClinGen allele CA210159556.

ClinVar aggregate classification (germline): Uncertain significance (1 of 4 stars; one submission).

Conditions:
Generalized epilepsy-paroxysmal dyskinesia syndrome (PNKD3). Also called: Generalized epilepsy and paroxysmal dyskinesia; Paroxysmal nonkinesigenic dyskinesia, 3, with or without generalized epilepsy. Identifiers: Orphanet 79137, MedGen C5574945, MONDO:0012276, OMIM 609446.

Allele frequency attached by ClinVar (database versions not stated): gnomAD 0.00002 and 0.00003; TOPMed 0.00002.
gnomAD v4.1: 7 of 1,543,346 alleles (0.00045%); highest among the groups gnomAD compares: African/African-American, 0.0027%; no homozygotes.

Submission:

Labcorp Genetics (formerly Invitae), Labcorp
Classification: Uncertain significance for Generalized epilepsy-paroxysmal dyskinesia syndrome. Last evaluated: 2025-10-11. Review status: criteria provided, single submitter. Criteria: Invitae Variant Classification Sherloc (09022015). Collection method: clinical testing. Allele origin: germline.
Comment: This sequence change replaces alanine, which is neutral and non-polar, with glycine, which is neutral and non-polar, at codon 31 of the KCNMA1 protein (p.Ala31Gly). This variant is present in population databases (rs201551432, gnomAD 0.002%). This variant has not been reported in the literature in individuals affected with KCNMA1-related conditions. ClinVar contains an entry for this variant (Variation ID: 575926). An algorithm developed to predict the effect of missense changes on protein structure and function (PolyPhen-2) suggests that this variant is likely to be disruptive. In summary, the available evidence is currently insufficient to determine the role of this variant in disease. Therefore, it has been classified as a Variant of Uncertain Significance.